The following is an entry in ClinVar:

ClinVar aggregate classification (germline): Uncertain significance (1 of 4 stars; one submission).

Conditions:
Werner syndrome (WRN). Identifiers: Orphanet 902, MedGen C0043119, MONDO:0010196, OMIM 277700.

Allele frequency attached by ClinVar (database versions not stated): gnomAD exomes 0.00002 and 0.00001; ExAC 0.00002.
gnomAD v4.1: 7 of 1,612,394 alleles (0.00043%); highest among the groups gnomAD compares: South Asian, 0.0077%; no homozygotes.

Submission:

Labcorp Genetics (formerly Invitae), Labcorp
Classification: Uncertain significance for Werner syndrome. Last evaluated: 2022-03-13. Review status: criteria provided, single submitter. Criteria: Invitae Variant Classification Sherloc (09022015). Collection method: clinical testing. Allele origin: germline.
Comment: This sequence change falls in intron 12 of the WRN gene. It does not directly change the encoded amino acid sequence of the WRN protein. It affects a nucleotide within the consensus splice site. This variant is present in population databases (rs767944222, gnomAD 0.01%). This variant has not been reported in the literature in individuals affected with WRN-related conditions. ClinVar contains an entry for this variant (Variation ID: 860953). Variants that disrupt the consensus splice site are a relatively common cause of aberrant splicing (PMID: 17576681, 9536098). Algorithms developed to predict the effect of sequence changes on RNA splicing suggest that this variant may create or strengthen a splice site. In summary, the available evidence is currently insufficient to determine the role of this variant in disease. Therefore, it has been classified as a Variant of Uncertain Significance.

Literature cited by the submitters: PubMed 17576681; PubMed 9536098.

NM_000553.6(WRN):c.1576+4A>C

Gene: WRN (WRN RecQ like helicase; plus strand). Cytogenetic location: 8p12.
Variant type: single nucleotide variant.
Coding change: c.1576+4A>C on transcript NM_000553.6 (MANE Select); 4 bases into the intron after coding-DNA position 1576, A replaced by C.
Molecular consequence: intron variant.
Genome position (GRCh38, 1-based): chr8:31,087,924, A>C. VCF-style: chr8-31087924-A-C. GRCh37 (hg19) VCF-style: chr8-30945440-A-C.
Identifiers: ClinVar variation 860953 (VCV000860953.4), dbSNP rs767944222, ClinGen allele CA4704405.